The following is an entry in ClinVar:

NM_003823.4(TNFRSF6B):c.423G>A (p.Pro141=)

Genes: RTEL1-TNFRSF6B (RTEL1-TNFRSF6B readthrough (NMD candidate); plus strand), TNFRSF6B (TNF receptor superfamily member 6b; plus strand). Cytogenetic location: 20q13.33.
Variant type: single nucleotide variant.
Coding change: c.423G>A on transcript NM_003823.4 (MANE Select); coding-DNA position 423, G replaced by A.
Protein change: p.Pro141=; no amino-acid change (proline 141 retained).
Molecular consequence: synonymous variant. On other transcripts: non-coding transcript variant (1).
Genome position (GRCh38, 1-based): chr20:63,697,190, G>A. VCF-style: chr20-63697190-G-A. GRCh37 (hg19) VCF-style: chr20-62328543-G-A.
Identifiers: ClinVar variation 1437129 (VCV001437129.8), dbSNP rs781668071, ClinGen allele CA9966441.
Genomic context (GRCh38, chr20:63,697,190, plus strand): 5'-GCACGCTGGTTTCTGCTTGGAGCACGCATCGTGTCCACCTGGTGCCGGCGTGATTGCCCC[G>A]GGTGAGAGCTGGGCGAGGGGAGGGGCCCCCAGGAGTGGTGGCCGGAGGTGTGGCAGGGGT-3'
Protein context (NP_003814.1, residues 131-151): SCPPGAGVIA[Pro141=]GTPSQNTQCQ

ClinVar aggregate classification (germline): Uncertain significance (1 of 4 stars; one submission).

Allele frequency attached by ClinVar (database versions not stated): ExAC 0.00004; gnomAD 0.00004; gnomAD exomes 0.00005; TOPMed 0.00006.
gnomAD v4.1: 46 of 1,558,242 alleles (0.003%); highest among the groups gnomAD compares: East Asian, 0.019%; no homozygotes.

Submission:

Labcorp Genetics (formerly Invitae), Labcorp
Classification: Uncertain significance. Last evaluated: 2024-12-19. Review status: criteria provided, single submitter. Criteria: Invitae Variant Classification Sherloc (09022015). Collection method: clinical testing. Allele origin: germline.
Comment: This sequence change affects codon 141 of the TNFRSF6B mRNA. It is a 'silent' change, meaning that it does not change the encoded amino acid sequence of the TNFRSF6B protein. It affects a nucleotide within the consensus splice site. This variant is present in population databases (rs781668071, gnomAD 0.03%). This variant has not been reported in the literature in individuals affected with TNFRSF6B-related conditions. ClinVar contains an entry for this variant (Variation ID: 1437129). Algorithms developed to predict the effect of sequence changes on RNA splicing suggest that this variant is not likely to affect RNA splicing. In summary, the available evidence is currently insufficient to determine the role of this variant in disease. Therefore, it has been classified as a Variant of Uncertain Significance.